The following is an entry in ClinVar:

NM_003748.4(ALDH4A1):c.*10G>T

Gene: ALDH4A1 (aldehyde dehydrogenase 4 family member A1; minus strand). Cytogenetic location: 1p36.13.
Variant type: single nucleotide variant.
Coding change: c.*10G>T on transcript NM_003748.4 (MANE Select); 10 bases downstream of the stop codon, G replaced by T.
Molecular consequence: 3 prime UTR variant.
Genome position (GRCh38, 1-based): chr1:18,872,835, C>A on the plus strand (G>T on the coding strand, the complement: ALDH4A1 is on the minus strand). VCF-style: chr1-18872835-C-A. GRCh37 (hg19) VCF-style: chr1-19199329-C-A.
Other names: c.*10G>T (NM_001161504.2, NM_001319218.2, NM_170726.3).
Identifiers: ClinVar variation 3052513 (VCV003052513.2), dbSNP rs370813324, ClinGen allele CA646780.

ClinVar aggregate classification (germline): Likely benign (0 of 4 stars; one submission).

Conditions:
ALDH4A1-related disorder. Also called: ALDH4A1-related condition.

gnomAD v4.1: 73 of 1,610,098 alleles (0.0045%); highest among the groups gnomAD compares: Non-Finnish European, 0.0059%; no homozygotes.

Submission:

PreventionGenetics, part of Exact Sciences
Classification: Likely benign for ALDH4A1-related condition. Last evaluated: 2019-08-28. Review status: no assertion criteria provided. Collection method: clinical testing. Allele origin: germline.
Comment: This variant is classified as likely benign based on ACMG/AMP sequence variant interpretation guidelines (Richards et al. 2015 PMID: 25741868, with internal and published modifications).